The following is an entry in ClinVar:

NM_012309.5(SHANK2):c.718C>T (p.Arg240Ter)

Gene: SHANK2 (SH3 and multiple ankyrin repeat domains 2; minus strand). Cytogenetic location: 11q13.4.
Variant type: single nucleotide variant.
Coding change: c.718C>T on transcript NM_012309.5 (MANE Select); coding-DNA position 718, C replaced by T.
Protein change: p.Arg240Ter; replaces arginine 240 with a stop codon.
Molecular consequence: nonsense.
Genome position (GRCh38, 1-based): chr11:71,094,563, G>A on the plus strand (C>T on the coding strand, the complement: SHANK2 is on the minus strand). VCF-style: chr11-71094563-G-A. GRCh37 (hg19) VCF-style: chr11-70805609-G-A.
Other names: c.718C>T, p.Arg240Ter (NM_001441024.1, NM_001441025.1, NM_001441026.1 and 12 more transcripts); c.646C>T, p.Arg216Ter (NM_001441038.1); short protein forms R240*, R216*.
Identifiers: ClinVar variation 5004972 (VCV005004972.2).

ClinVar aggregate classification (germline): Likely pathogenic (1 of 4 stars; one submission).

Conditions:
Autism, susceptibility to, 17. Also called: Autism susceptibility 17. Identifiers: MedGen C3150693, MONDO:0013265, OMIM 613436.

gnomAD v4.1: 9 of 1,551,392 alleles (0.00058%); highest among the groups gnomAD compares: East Asian, 0.0024%; no homozygotes.

Submission:

Juno Genomics, Hangzhou Juno Genomics, Inc
Classification: Likely pathogenic for Autism, susceptibility to, 17. Review status: criteria provided, single submitter. Criteria: ACMG Guidelines, 2015. Collection method: clinical testing. Allele origin: germline.
Comment: Null variant in a gene where loss of function (LOF) is a known mechanism of disease.;Absent from controls (or at extremely low frequency if recessive) in Genome Aggregation Database.